The following is an entry in ClinVar:

NM_014141.6(CNTNAP2):c.496T>C (p.Trp166Arg)

Gene: CNTNAP2 (contactin associated protein 2; plus strand). Cytogenetic location: 7q35.
Variant type: single nucleotide variant.
Coding change: c.496T>C on transcript NM_014141.6 (MANE Select); coding-DNA position 496, T replaced by C.
Protein change: p.Trp166Arg; replaces tryptophan 166 with arginine.
Molecular consequence: missense variant.
Genome position (GRCh38, 1-based): chr7:147,044,000, T>C. VCF-style: chr7-147044000-T-C. GRCh37 (hg19) VCF-style: chr7-146741092-T-C.
Other names: p.W166R:TGG>CGG; short protein forms W166R.
Identifiers: ClinVar variation 205306 (VCV000205306.2), dbSNP rs796052389, ClinGen allele CA314245.
Genomic context (GRCh38, chr7:147,044,000, plus strand): 5'-GTCCGGCACGAATTACAGCATCCGATTATTGCCCGCTATGTGCGCATAGTGCCTCTGGAT[T>C]GGAATGGAGAAGGTCGCATTGGACTCAGAATTGAAGTTTATGGCTGTTCTTACTGTGAGT-3'
Protein context (NP_054860.1, residues 156-176): ARYVRIVPLD[Trp166Arg]NGEGRIGLRI

ClinVar aggregate classification (germline): Uncertain significance (1 of 4 stars; one submission).

Allele frequency attached by ClinVar (database versions not stated): gnomAD exomes 0.00001.
gnomAD v4.1: 6 of 1,614,216 alleles (0.00037%); highest among the groups gnomAD compares: Non-Finnish European, 0.00051%; no homozygotes.

Submission:

GeneDx
Classification: Uncertain significance. Last evaluated: 2014-01-16. Review status: criteria provided, single submitter. Criteria: GeneDx Variant Classification (06012015). Collection method: clinical testing. Allele origin: germline. Affected: yes.
Comment: p.Trp166Arg (TGG>CGG): c.496 T>C in exon 4 of the CNTNAP2 gene (NM_014141.5). The Trp166Arg missense change in the CNTNAP2 gene has not been published as a mutation, nor has it been reported as a benign polymorphism to our knowledge. It was not observed in approximately 6,500 individuals of European and African American ancestry in the NHLBI Exome Sequencing Project, indicating it is not a common benign variant in these populations. This variant is a non-conservative amino acid substitution of an uncharged, non-polar Tryptophan residue with a positively charged Arginine residue at a position that is highly conserved across species. In silico analysis predicts this variant is probably damaging to the protein structure/function. However, missense mutations associated with epilepsy have not been reported in this region of the protein. Therefore, based on the currently available information, it is unclear whether Trp166Arg is a disease-causing mutation or a rare benign variant.The variant is found in INFANT-EPI panel(s).